The following is an entry in ClinVar:

ClinVar aggregate classification (germline): Uncertain significance (1 of 4 stars; one submission).

Allele frequency attached by ClinVar (database versions not stated): TOPMed below 0.00001.

Submission:

Labcorp Genetics (formerly Invitae), Labcorp
Classification: Uncertain significance. Last evaluated: 2022-10-25. Review status: criteria provided, single submitter. Criteria: Invitae Variant Classification Sherloc (09022015). Collection method: clinical testing. Allele origin: germline.
Comment: This sequence change replaces proline, which is neutral and non-polar, with alanine, which is neutral and non-polar, at codon 1675 of the KAT6A protein (p.Pro1675Ala). This variant is not present in population databases (gnomAD no frequency). This variant has not been reported in the literature in individuals affected with KAT6A-related conditions. Algorithms developed to predict the effect of missense changes on protein structure and function output the following: SIFT: "Tolerated"; PolyPhen-2: "Not Available"; Align-GVGD: "Class C0". The alanine amino acid residue is found in multiple mammalian species, which suggests that this missense change does not adversely affect protein function. In summary, the available evidence is currently insufficient to determine the role of this variant in disease. Therefore, it has been classified as a Variant of Uncertain Significance.

NM_006766.5(KAT6A):c.5023C>G (p.Pro1675Ala)

Gene: KAT6A (lysine acetyltransferase 6A; minus strand). Cytogenetic location: 8p11.21.
Variant type: single nucleotide variant.
Coding change: c.5023C>G on transcript NM_006766.5 (MANE Select); coding-DNA position 5023, C replaced by G.
Protein change: p.Pro1675Ala; replaces proline 1675 with alanine.
Molecular consequence: missense variant.
Genome position (GRCh38, 1-based): chr8:41,933,197, G>C on the plus strand (C>G on the coding strand, the complement: KAT6A is on the minus strand). VCF-style: chr8-41933197-G-C. GRCh37 (hg19) VCF-style: chr8-41790715-G-C.
Other names: short protein forms P1675A.
Identifiers: ClinVar variation 2006748 (VCV002006748.4), dbSNP rs1821652230, ClinGen allele CA371063827.